The following is an entry in ClinVar:

ClinVar aggregate classification (germline): Uncertain significance (1 of 4 stars; one submission).

Conditions:
Neuropathy, hereditary sensory and autonomic, type 2A (HSAN2A). Also called: ACROOSTEOLYSIS, GIACCAI TYPE; ACROOSTEOLYSIS, NEUROGENIC; WNK1-Related HSAN2 (HSAN2A); HSAN IIA; MORVAN DISEASE; NEUROPATHY, CONGENITAL SENSORY. Identifiers: Orphanet 970, MedGen C2752089, MONDO:0024309, OMIM 201300.
Pseudohypoaldosteronism type 2C (PHA2C). Also called: Pseudohypoaldosteronism Type IIC. Identifiers: Orphanet 757, Orphanet 88940, MedGen C1840391, MONDO:0013778, OMIM 614492.

Allele frequency attached by ClinVar (database versions not stated): TOPMed below 0.00001; gnomAD exomes 0.00001.
gnomAD v4.1: 13 of 1,614,002 alleles (0.00081%); highest among the groups gnomAD compares: South Asian, 0.011%; no homozygotes.

Submission:

Labcorp Genetics (formerly Invitae), Labcorp
Classification: Uncertain significance for Neuropathy, hereditary sensory and autonomic, type 2A; Pseudohypoaldosteronism type 2C. Last evaluated: 2022-05-07. Review status: criteria provided, single submitter. Criteria: Invitae Variant Classification Sherloc (09022015). Collection method: clinical testing. Allele origin: germline.
Comment: This variant has not been reported in the literature in individuals affected with WNK1-related conditions. This variant is present in population databases (rs747271818, gnomAD 0.01%). This sequence change replaces leucine, which is neutral and non-polar, with phenylalanine, which is neutral and non-polar, at codon 589 of the WNK1 protein (p.Leu589Phe). ClinVar contains an entry for this variant (Variation ID: 955901). In summary, the available evidence is currently insufficient to determine the role of this variant in disease. Therefore, it has been classified as a Variant of Uncertain Significance. Advanced modeling of protein sequence and biophysical properties (such as structural, functional, and spatial information, amino acid conservation, physicochemical variation, residue mobility, and thermodynamic stability) performed at Invitae indicates that this missense variant is not expected to disrupt WNK1 protein function.

NM_018979.4(WNK1):c.1765C>T (p.Leu589Phe)

Gene: WNK1 (WNK lysine deficient protein kinase 1; plus strand). Cytogenetic location: 12p13.33.
Variant type: single nucleotide variant.
Coding change: c.1765C>T on transcript NM_018979.4 (MANE Select); coding-DNA position 1765, C replaced by T.
Protein change: p.Leu589Phe; replaces leucine 589 with phenylalanine.
Molecular consequence: missense variant.
Genome position (GRCh38, 1-based): chr12:861,157, C>T. VCF-style: chr12-861157-C-T. GRCh37 (hg19) VCF-style: chr12-970323-C-T.
Other names: c.1765C>T, p.Leu589Phe (NM_001184985.2, NM_014823.3, NM_213655.5); short protein forms L589F.
Identifiers: ClinVar variation 955901 (VCV000955901.9), dbSNP rs747271818, ClinGen allele CA6382026.